The following is an entry in ClinVar:

NM_001048174.2(MUTYH):c.826A>G (p.Ser276Gly)

Gene: MUTYH (mutY DNA glycosylase; minus strand). Cytogenetic location: 1p34.1.
Variant type: single nucleotide variant.
Coding change: c.826A>G on transcript NM_001048174.2 (MANE Select); coding-DNA position 826, A replaced by G.
Protein change: p.Ser276Gly; replaces serine 276 with glycine.
Molecular consequence: missense variant. On other transcripts: non-coding transcript variant (2).
Genome position (GRCh38, 1-based): chr1:45,332,189, T>C on the plus strand (A>G on the coding strand, the complement: MUTYH is on the minus strand). VCF-style: chr1-45332189-T-C. GRCh37 (hg19) VCF-style: chr1-45797861-T-C.
Other names: c.826A>G, p.Ser276Gly (NM_001048171.2, NM_001048173.2, NM_001293195.2); c.829A>G, p.Ser277Gly (NM_001048172.2); c.910A>G, p.Ser304Gly (NM_001128425.2); c.871A>G, p.Ser291Gly (NM_001293190.2); c.859A>G, p.Ser287Gly (NM_001293191.2); c.550A>G, p.Ser184Gly (NM_001293192.2, NM_001293196.2); c.481A>G, p.Ser161Gly (NM_001350650.2, NM_001350651.2); c.901A>G, p.Ser301Gly (NM_012222.3); short protein forms S184G, S277G, S291G, S301G, S161G, S276G, S287G, S304G.
Identifiers: ClinVar variation 1472891 (VCV001472891.9), dbSNP rs2149137273, ClinGen allele CA340134356.

ClinVar aggregate classification (germline): Conflicting classifications of pathogenicity. Review status: criteria provided, conflicting classifications (1 of 4 stars). 2 submissions from 2 submitters: Uncertain significance (1); Likely benign (1). Last evaluated 2025-09-15.

Conditions:
Familial adenomatous polyposis 2. Also called: MYH-associated polyposis; Adenomas, multiple colorectal; COLORECTAL ADENOMATOUS POLYPOSIS, AUTOSOMAL RECESSIVE; ADENOMAS, MULTIPLE COLORECTAL, AUTOSOMAL RECESSIVE; FAP type 2; MUTYH Polyposis. Identifiers: Orphanet 220460, Orphanet 247798, MedGen C3272841, MONDO:0012041, OMIM 608456.
Hereditary cancer-predisposing syndrome. Also called: Tumor predisposition; Neoplastic Syndromes, Hereditary; Hereditary Cancer Syndrome; Hereditary neoplastic syndrome. Identifiers: Orphanet 140162, MedGen C0027672, MeSH D009386, MONDO:0015356.

Submissions (2):

Ambry Genetics
Classification: Likely benign for Hereditary cancer-predisposing syndrome. Last evaluated: 2025-09-15. Review status: criteria provided, single submitter. Criteria: Ambry Variant Classification Scheme 2023. Collection method: clinical testing. Allele origin: germline.

Labcorp Genetics (formerly Invitae), Labcorp
Classification: Uncertain significance for Familial adenomatous polyposis 2. Last evaluated: 2021-08-20. Review status: criteria provided, single submitter. Criteria: Invitae Variant Classification Sherloc (09022015). Collection method: clinical testing. Allele origin: germline.
Comment: This sequence change replaces serine with glycine at codon 304 of the MUTYH protein (p.Ser304Gly). The serine residue is moderately conserved and there is a small physicochemical difference between serine and glycine. This variant is not present in population databases (ExAC no frequency). This variant has not been reported in the literature in individuals affected with MUTYH-related conditions. Algorithms developed to predict the effect of missense changes on protein structure and function output the following: SIFT: "Tolerated"; PolyPhen-2: "Benign"; Align-GVGD: "Class C0". The glycine amino acid residue is found in multiple mammalian species, which suggests that this missense change does not adversely affect protein function. In summary, the available evidence is currently insufficient to determine the role of this variant in disease. Therefore, it has been classified as a Variant of Uncertain Significance.